The following is an entry in ClinVar:

ClinVar aggregate classification (germline): Benign/Likely benign. Review status: criteria provided, multiple submitters, no conflicts (2 of 4 stars). 2 submissions from 2 submitters: Benign (1); Likely benign (1). Last evaluated 2025-06-27.

Conditions:
ITGB6-related disorder. Also called: ITGB6-related condition.

Allele frequency attached by ClinVar (database versions not stated): gnomAD 0.00036 and 0.00072; ESP Exome Variant Server 0.00038; TOPMed 0.00047; gnomAD exomes 0.00113 and 0.00160; ExAC 0.00166; 1000 Genomes Project 30x 0.00219; 1000 Genomes Project 0.00240.
gnomAD v4.1: 1,784 of 1,614,088 alleles (0.11%); highest among the groups gnomAD compares: South Asian, 1%; 15 homozygotes.

Submissions (2):

PreventionGenetics, part of Exact Sciences
Classification: Likely benign for ITGB6-related condition. Last evaluated: 2025-06-27. Review status: criteria provided, single submitter. Criteria: ACMG Guidelines, 2015. Collection method: clinical testing. Allele origin: germline.
Comment: This variant is classified as likely benign based on ACMG/AMP sequence variant interpretation guidelines (Richards et al. 2015 PMID: 25741868, with internal and published modifications).

Labcorp Genetics (formerly Invitae), Labcorp
Classification: Benign. Last evaluated: 2019-12-31. Review status: criteria provided, single submitter. Criteria: Invitae Variant Classification Sherloc (09022015). Collection method: clinical testing. Allele origin: germline.

NM_000888.5(ITGB6):c.1740G>A (p.Thr580=)

Gene: ITGB6 (integrin subunit beta 6; minus strand). Cytogenetic location: 2q24.2.
Variant type: single nucleotide variant.
Coding change: c.1740G>A on transcript NM_000888.5 (MANE Select); coding-DNA position 1740, G replaced by A.
Protein change: p.Thr580=; no amino-acid change (threonine 580 retained).
Molecular consequence: synonymous variant. On other transcripts: intron variant (1).
Genome position (GRCh38, 1-based): chr2:160,126,522, C>T on the plus strand (G>A on the coding strand, the complement: ITGB6 is on the minus strand). VCF-style: chr2-160126522-C-T. GRCh37 (hg19) VCF-style: chr2-160983033-C-T.
Other names: c.1740G>A, p.Thr580= (NM_001282353.2); c.1455G>A, p.Thr485= (NM_001282354.2); c.1614G>A, p.Thr538= (NM_001282388.2); c.1521G>A, p.Thr507= (NM_001282389.2); c.1326G>A, p.Thr442= (NM_001282390.2); c.1660+10912G>A (NM_001282355.2).
Identifiers: ClinVar variation 708935 (VCV000708935.5), dbSNP rs201047218, ClinGen allele CA1929115.